The following is an entry in ClinVar:

ClinVar aggregate classification (germline): Uncertain significance (1 of 4 stars; one submission).

Submission:

Labcorp Genetics (formerly Invitae), Labcorp
Classification: Uncertain significance. Last evaluated: 2025-11-04. Review status: criteria provided, single submitter. Criteria: Invitae Variant Classification Sherloc (09022015). Collection method: clinical testing. Allele origin: germline.
Comment: This sequence change affects codon 77 of the LRRC10 mRNA. It is a 'silent' change, meaning that it does not change the encoded amino acid sequence of the LRRC10 protein. This variant is present in population databases (rs757206626, gnomAD 0.007%). This variant has not been reported in the literature in individuals affected with LRRC10-related conditions. In summary, the available evidence is currently insufficient to determine the role of this variant in disease. Therefore, it has been classified as a Variant of Uncertain Significance.

NM_201550.4(LRRC10):c.229C>T (p.Leu77=)

Gene: LRRC10 (leucine rich repeat containing 10; minus strand). Cytogenetic location: 12q15.
Variant type: single nucleotide variant.
Coding change: c.229C>T on transcript NM_201550.4 (MANE Select); coding-DNA position 229, C replaced by T.
Protein change: p.Leu77=; no amino-acid change (leucine 77 retained).
Molecular consequence: synonymous variant.
Genome position (GRCh38, 1-based): chr12:69,610,610, G>A on the plus strand (C>T on the coding strand, the complement: LRRC10 is on the minus strand). VCF-style: chr12-69610610-G-A. GRCh37 (hg19) VCF-style: chr12-70004390-G-A.
Identifiers: ClinVar variation 4789054 (VCV004789054.1).